The following is an entry in ClinVar:

ClinVar aggregate classification (germline): Uncertain significance (1 of 4 stars; one submission).

Allele frequency attached by ClinVar (database versions not stated): gnomAD exomes below 0.00001; ExAC 0.00002; gnomAD 0.00005; TOPMed 0.00005.
gnomAD v4.1: 8 of 1,613,756 alleles (0.0005%); highest among the groups gnomAD compares: African/African-American, 0.011%; no homozygotes.

Submission:

Labcorp Genetics (formerly Invitae), Labcorp
Classification: Uncertain significance. Last evaluated: 2022-06-09. Review status: criteria provided, single submitter. Criteria: Invitae Variant Classification Sherloc (09022015). Collection method: clinical testing. Allele origin: germline.
Comment: This sequence change replaces lysine, which is basic and polar, with glutamic acid, which is acidic and polar, at codon 2667 of the CPLANE1 protein (p.Lys2667Glu). This variant is present in population databases (rs777081792, gnomAD 0.02%). This variant has not been reported in the literature in individuals affected with CPLANE1-related conditions. Advanced modeling of protein sequence and biophysical properties (such as structural, functional, and spatial information, amino acid conservation, physicochemical variation, residue mobility, and thermodynamic stability) performed at Invitae indicates that this missense variant is not expected to disrupt CPLANE1 protein function. In summary, the available evidence is currently insufficient to determine the role of this variant in disease. Therefore, it has been classified as a Variant of Uncertain Significance.

NM_001384732.1(CPLANE1):c.8161A>G (p.Lys2721Glu)

Gene: CPLANE1 (ciliogenesis and planar polarity effector complex subunit 1; minus strand). Cytogenetic location: 5p13.2.
Variant type: single nucleotide variant.
Coding change: c.8161A>G on transcript NM_001384732.1 (MANE Select); coding-DNA position 8161, A replaced by G.
Protein change: p.Lys2721Glu; replaces lysine 2721 with glutamic acid.
Molecular consequence: missense variant.
Genome position (GRCh38, 1-based): chr5:37,153,952, T>C on the plus strand (A>G on the coding strand, the complement: CPLANE1 is on the minus strand). VCF-style: chr5-37153952-T-C. GRCh37 (hg19) VCF-style: chr5-37154054-T-C.
Other names: c.7999A>G, p.Lys2667Glu (NM_023073.4); short protein forms K2721E, K2667E.
Identifiers: ClinVar variation 2195335 (VCV002195335.1), dbSNP rs777081792, ClinGen allele CA3237850.